The following is an entry in ClinVar:

NM_032382.5(COG8):c.1396del (p.Glu466fs)

Gene: COG8 (component of oligomeric golgi complex 8; minus strand). Cytogenetic location: 16q22.1.
Variant type: Deletion.
Coding change: c.1396del on transcript NM_032382.5 (MANE Select); coding-DNA position 1396, one base deleted (G; older notation c.1396delG).
Protein change: p.Glu466fs; shifts the reading frame from glutamic acid 466.
Molecular consequence: frameshift variant.
Genome position (GRCh38, 1-based): chr16:69,334,538, C deleted on the plus strand (G on the coding strand, the reverse complement: COG8 is on the minus strand); the first of 2 consecutive C bases (chr16:69,334,538-69,334,539); deleting either gives the same sequence. VCF-style (leftmost placement, unchanged base first): chr16-69334537-TC-T. GRCh37 (hg19) VCF-style: chr16-69368440-TC-T.
Other names: c.1396del, p.Glu466fs (NM_001374871.1, NM_001379261.1, NM_001379262.1 and 4 more transcripts); c.1396del (NM_032382.4); short protein forms E466fs.
Identifiers: ClinVar variation 2504275 (VCV002504275.3), dbSNP rs771045945, ClinGen allele CA8133731.
Genomic context (GRCh38, chr16:69,334,537, plus strand): 5'-CAGAGAAGGCCCAGGGTAGCAGAAAACCAACAGAATGTGCTCACCTTGGCAAGGGCATCT[TC>T]CAAGGCCCCAGTCACATCCTGCGCCAGGGCCACAGGGCAGCAGAGGCGCAGATCATTGAA-3'

ClinVar aggregate classification (germline): Likely pathogenic. Review status: criteria provided, multiple submitters, no conflicts (2 of 4 stars). 2 submissions from 2 submitters: Likely pathogenic (2). Last evaluated 2025-08-26.

Conditions:
COG8-congenital disorder of glycosylation. Also called: COG8-CDG; CDG IIh. Identifiers: Orphanet 95428, MedGen C1970021, MONDO:0012635, OMIM 611182.

Submissions (2):

GeneDx
Classification: Likely pathogenic. Last evaluated: 2025-08-26. Review status: criteria provided, single submitter. Criteria: GeneDx Variant Classification Process June 2021. Collection method: clinical testing. Allele origin: germline. Affected: yes.
Comment: Has not been previously reported in peer-reviewed literature as pathogenic or benign to our knowledge. However, in an abstract by Saravanan, et al., the variant was observed in the compound heterozygous state in a proband with neonatal respiratory distress, developmental delay, and seizures (Saravanan DP_2024[Abstract]); Frameshift variant predicted to result in protein truncation or nonsense mediated decay in a gene for which loss of function is a known mechanism of disease; This variant is associated with the following publications: (PMID: Saravanan DP_2024[Abstract])

Revvity Omics, Revvity
Classification: Likely pathogenic for COG8-congenital disorder of glycosylation. Last evaluated: 2023-05-22. Review status: criteria provided, single submitter. Criteria: ACMG Guidelines, 2015. Collection method: clinical testing. Allele origin: germline.